The following is an entry in ClinVar:

NM_004006.3(DMD):c.4864G>T (p.Glu1622Ter)

Gene: DMD (dystrophin; minus strand). Cytogenetic location: Xp21.1.
Variant type: single nucleotide variant.
Coding change: c.4864G>T on transcript NM_004006.3 (MANE Select); coding-DNA position 4864, G replaced by T.
Protein change: p.Glu1622Ter; replaces glutamic acid 1622 with a stop codon.
Molecular consequence: nonsense.
Genome position (GRCh38, 1-based): chrX:32,365,181, C>A on the plus strand (G>T on the coding strand, the complement: DMD is on the minus strand). VCF-style: chrX-32365181-C-A. GRCh37 (hg19) VCF-style: chrX-32383298-C-A.
Other names: c.4840G>T, p.Glu1614Ter (NM_000109.4); c.4852G>T, p.Glu1618Ter (NM_004009.3); c.4495G>T, p.Glu1499Ter (NM_004010.3); c.841G>T, p.Glu281Ter (NM_004011.4); c.832G>T, p.Glu278Ter (NM_004012.4); short protein forms E1499*, E1614*, E1618*, E1622*, E278*, E281*.
Identifiers: ClinVar variation 1071902 (VCV001071902.8), dbSNP rs2147261270, ClinGen allele CA412672542.

ClinVar aggregate classification (germline): Pathogenic (1 of 4 stars; one submission).

Conditions:
Duchenne muscular dystrophy (DMD). Also called: MUSCULAR DYSTROPHY, PSEUDOHYPERTROPHIC PROGRESSIVE, DUCHENNE TYPE; Duchenne Muscular Dystrophy (DMD). Identifiers: Orphanet 98896, MedGen C0013264, MONDO:0010679, OMIM 310200.

Submission:

Labcorp Genetics (formerly Invitae), Labcorp
Classification: Pathogenic for Duchenne muscular dystrophy. Last evaluated: 2021-11-24. Review status: criteria provided, single submitter. Criteria: Invitae Variant Classification Sherloc (09022015). Collection method: clinical testing. Allele origin: germline.
Comment: For these reasons, this variant has been classified as Pathogenic. ClinVar contains an entry for this variant (Variation ID: 1071902). This premature translational stop signal has been observed in individual(s) with Duchenne muscular dystrophy (PMID: 19937601). This variant is not present in population databases (gnomAD no frequency). This sequence change creates a premature translational stop signal (p.Glu1622*) in the DMD gene. It is expected to result in an absent or disrupted protein product. Loss-of-function variants in DMD are known to be pathogenic (PMID: 16770791, 25007885).

Literature cited by the submitters: PubMed 19937601; PubMed 16770791; PubMed 25007885.